The following is an entry in ClinVar:

ClinVar aggregate classification (germline): Uncertain significance (1 of 4 stars; one submission).

Conditions:
Charcot-Marie-Tooth disease type 4K. Also called: CHARCOT-MARIE-TOOTH DISEASE, DEMYELINATING, TYPE 4K; CHARCOT-MARIE-TOOTH DISEASE, DEMYELINATING, AUTOSOMAL RECESSIVE, TYPE 4K; CHARCOT-MARIE-TOOTH NEUROPATHY, DEMYELINATING, AUTOSOMAL RECESSIVE, TYPE 4K. Identifiers: Orphanet 391351, MedGen C4225246, MONDO:0014733, OMIM 616684.

Submission:

Baylor Genetics
Classification: Uncertain significance for Charcot-Marie-Tooth disease type 4K. Last evaluated: 2018-01-02. Review status: criteria provided, single submitter. Criteria: ACMG Guidelines, 2015. Collection method: clinical testing. Allele origin: maternal. Affected: yes.
Comment: This variant was determined to be of uncertain significance according to ACMG Guidelines, 2015 [PMID:25741868].

NM_003172.4(SURF1):c.378T>G (p.Phe126Leu)

Gene: SURF1 (SURF1 cytochrome c oxidase assembly factor; minus strand). Cytogenetic location: 9q34.2.
Variant type: single nucleotide variant.
Coding change: c.378T>G on transcript NM_003172.4 (MANE Select); coding-DNA position 378, T replaced by G.
Protein change: p.Phe126Leu; replaces phenylalanine 126 with leucine.
Molecular consequence: missense variant.
Genome position (GRCh38, 1-based): chr9:133,353,886, A>C on the plus strand (T>G on the coding strand, the complement: SURF1 is on the minus strand). VCF-style: chr9-133353886-A-C. GRCh37 (hg19) VCF-style: chr9-136220741-A-C.
Other names: c.51T>G, p.Phe17Leu (NM_001280787.1); short protein forms F17L, F126L.
Identifiers: ClinVar variation 1033570 (VCV001033570.1), dbSNP rs1836501449, ClinGen allele CA375694405.